The following is an entry in ClinVar:

NM_205768.3(ZBTB18):c.1298C>T (p.Thr433Ile)

Gene: ZBTB18 (zinc finger and BTB domain containing 18; plus strand). Cytogenetic location: 1q44.
Variant type: single nucleotide variant.
Coding change: c.1298C>T on transcript NM_205768.3 (MANE Select); coding-DNA position 1298, C replaced by T.
Protein change: p.Thr433Ile; replaces threonine 433 with isoleucine.
Molecular consequence: missense variant. On other transcripts: 3 prime UTR variant (1).
Genome position (GRCh38, 1-based): chr1:244,055,072, C>T. VCF-style: chr1-244055072-C-T. GRCh37 (hg19) VCF-style: chr1-244218374-C-T.
Other names: c.1271C>T, p.Thr424Ile (NM_001278196.2, NM_006352.5); c.*475C>T (NM_001421566.1); short protein forms T424I, T433I.
Identifiers: ClinVar variation 3381443 (VCV003381443.1).

ClinVar aggregate classification (germline): Uncertain significance (1 of 4 stars; one submission).

Submission:

GeneDx
Classification: Uncertain significance. Last evaluated: 2024-05-24. Review status: criteria provided, single submitter. Criteria: GeneDx Variant Classification Process June 2021. Collection method: clinical testing. Allele origin: germline. Affected: yes.
Comment: Not observed at significant frequency in large population cohorts (gnomAD); In silico analysis supports that this missense variant has a deleterious effect on protein structure/function; Has not been previously published as pathogenic or benign to our knowledge